The following is an entry in ClinVar:

NM_017837.4(PIGV):c.1403C>G (p.Thr468Arg)

Gene: PIGV (phosphatidylinositol glycan anchor biosynthesis class V; plus strand). Cytogenetic location: 1p36.11.
Variant type: single nucleotide variant.
Coding change: c.1403C>G on transcript NM_017837.4 (MANE Select); coding-DNA position 1403, C replaced by G.
Protein change: p.Thr468Arg; replaces threonine 468 with arginine.
Molecular consequence: missense variant. On other transcripts: non-coding transcript variant (2).
Genome position (GRCh38, 1-based): chr1:26,797,765, C>G. VCF-style: chr1-26797765-C-G. GRCh37 (hg19) VCF-style: chr1-27124256-C-G.
Other names: c.1403C>G, p.Thr468Arg (NM_001202554.2, NM_001374478.1, NM_001374480.1 and 2 more transcripts); c.1022C>G, p.Thr341Arg (NM_001374483.1); c.776C>G, p.Thr259Arg (NM_001374484.1, NM_001374485.1); c.281C>G, p.Thr94Arg (NM_001374486.1); c.1403C>G (NM_017837.3); short protein forms T468R, T341R, T259R, T94R.
Identifiers: ClinVar variation 1392722 (VCV001392722.5), dbSNP rs1463066620, ClinGen allele CA339204512.

ClinVar aggregate classification (germline): Uncertain significance. Review status: criteria provided, multiple submitters, no conflicts (2 of 4 stars). 2 submissions from 2 submitters: Uncertain significance (2). Last evaluated 2025-08-25.

Conditions:
Inborn genetic diseases. Identifiers: MedGen C0950123, MeSH D030342.

Allele frequency attached by ClinVar (database versions not stated): gnomAD exomes below 0.00001; gnomAD 0.00001; TOPMed 0.00001.
gnomAD v4.1: 5 of 1,613,756 alleles (0.00031%); highest among the groups gnomAD compares: African/African-American, 0.0013%; no homozygotes.

Submissions (2):

Ambry Genetics
Classification: Uncertain significance for Inborn genetic diseases. Last evaluated: 2025-08-25. Review status: criteria provided, single submitter. Criteria: Ambry Variant Classification Scheme 2023. Collection method: clinical testing. Allele origin: germline.

Labcorp Genetics (formerly Invitae), Labcorp
Classification: Uncertain significance. Last evaluated: 2022-08-16. Review status: criteria provided, single submitter. Criteria: Invitae Variant Classification Sherloc (09022015). Collection method: clinical testing. Allele origin: germline.
Comment: In summary, the available evidence is currently insufficient to determine the role of this variant in disease. Therefore, it has been classified as a Variant of Uncertain Significance. Algorithms developed to predict the effect of sequence changes on RNA splicing suggest that this variant may create or strengthen a splice site. Algorithms developed to predict the effect of missense changes on protein structure and function are either unavailable or do not agree on the potential impact of this missense change (SIFT: "Tolerated"; PolyPhen-2: "Probably Damaging"; Align-GVGD: "Class C0"). ClinVar contains an entry for this variant (Variation ID: 1392722). This variant has not been reported in the literature in individuals affected with PIGV-related conditions. This variant is present in population databases (no rsID available, gnomAD 0.0009%). This sequence change replaces threonine, which is neutral and polar, with arginine, which is basic and polar, at codon 468 of the PIGV protein (p.Thr468Arg).